The following is an entry in ClinVar:

NM_001943.5(DSG2):c.1595C>G (p.Ser532Cys)

Gene: DSG2 (desmoglein 2; plus strand). Cytogenetic location: 18q12.1.
Variant type: single nucleotide variant.
Coding change: c.1595C>G on transcript NM_001943.5 (MANE Select); coding-DNA position 1595, C replaced by G.
Protein change: p.Ser532Cys; replaces serine 532 with cysteine.
Molecular consequence: missense variant.
Genome position (GRCh38, 1-based): chr18:31,536,373, C>G. VCF-style: chr18-31536373-C-G. GRCh37 (hg19) VCF-style: chr18-29116336-C-G.
Other names: short protein forms S532C.
Identifiers: ClinVar variation 3073359 (VCV003073359.1), dbSNP rs2510917960, ClinGen allele CA402141959.

ClinVar aggregate classification (germline): Uncertain significance (1 of 4 stars; one submission).

Conditions:
Arrhythmogenic right ventricular cardiomyopathy (ARVD). Also called: Arrhythmogenic right ventricular dysplasia; Cardiomyopathy, ARVC; Arrhythmogenic cardiomyopathy; Arrhythmogenic Right Ventricular Cardiomyopathy (ARVC). Identifiers: Orphanet 247, MedGen C0349788, MeSH D019571, MONDO:0016587. Disease mechanism: loss of function. Inheritance: Various modes of inheritance.

Allele frequency attached by ClinVar (database versions not stated): gnomAD exomes below 0.00001.
gnomAD v4.1: 1 of 1,614,140 alleles (0.000062%); highest among the groups gnomAD compares: Non-Finnish European, 0.000085%; no homozygotes.

Submission:

All of Us Research Program, National Institutes of Health
Classification: Uncertain significance for Arrhythmogenic right ventricular cardiomyopathy. Last evaluated: 2023-09-18. Review status: criteria provided, single submitter. Criteria: ACMG Guidelines, 2015. Collection method: clinical testing. Allele origin: germline. Inheritance: Autosomal dominant inheritance. Observed: 1 variant allele, 1 heterozygote.
Comment: This missense variant replaces serine with cysteine at codon 532 of the DSG2 protein. Computational prediction suggests that this variant may not impact protein structure and function (internally defined REVEL score threshold <= 0.5, PMID: 27666373). To our knowledge, functional studies have not been reported for this variant. This variant has not been reported in individuals affected with DSG2-related disorders in the literature. This variant has not been identified in the general population by the Genome Aggregation Database (gnomAD). The available evidence is insufficient to determine the role of this variant in disease conclusively. Therefore, this variant is classified as a Variant of Uncertain Significance.

This study involves interpretation of variants in research participants for the purpose of population health screening. Participant phenotype was not available at the time of variant classification. Additional details can be found in publication PMID: 35346344, PMCID: PMC8962531